The following is an entry in ClinVar:

ClinVar aggregate classification (germline): Uncertain significance (1 of 4 stars; one submission).

Allele frequency attached by ClinVar (database versions not stated): gnomAD exomes below 0.00001; ExAC 0.00001; gnomAD 0.00001; TOPMed 0.00002.
gnomAD v4.1: 4 of 1,614,084 alleles (0.00025%); highest among the groups gnomAD compares: South Asian, 0.0011%; no homozygotes.

Submission:

Labcorp Genetics (formerly Invitae), Labcorp
Classification: Uncertain significance. Last evaluated: 2022-06-20. Review status: criteria provided, single submitter. Criteria: Invitae Variant Classification Sherloc (09022015). Collection method: clinical testing. Allele origin: germline.
Comment: This variant has not been reported in the literature in individuals affected with CYP4V2-related conditions. This sequence change replaces isoleucine, which is neutral and non-polar, with threonine, which is neutral and polar, at codon 319 of the CYP4V2 protein (p.Ile319Thr). This variant is present in population databases (rs765442992, gnomAD 0.003%). Advanced modeling of protein sequence and biophysical properties (such as structural, functional, and spatial information, amino acid conservation, physicochemical variation, residue mobility, and thermodynamic stability) performed at Invitae indicates that this missense variant is expected to disrupt CYP4V2 protein function. In summary, the available evidence is currently insufficient to determine the role of this variant in disease. Therefore, it has been classified as a Variant of Uncertain Significance.

NM_207352.4(CYP4V2):c.956T>C (p.Ile319Thr)

Gene: CYP4V2 (cytochrome P450 family 4 subfamily V member 2; plus strand). Cytogenetic location: 4q35.2.
Variant type: single nucleotide variant.
Coding change: c.956T>C on transcript NM_207352.4 (MANE Select); coding-DNA position 956, T replaced by C.
Protein change: p.Ile319Thr; replaces isoleucine 319 with threonine.
Molecular consequence: missense variant.
Genome position (GRCh38, 1-based): chr4:186,201,311, T>C. VCF-style: chr4-186201311-T-C. GRCh37 (hg19) VCF-style: chr4-187122465-T-C.
Other names: short protein forms I319T.
Identifiers: ClinVar variation 1961570 (VCV001961570.5), dbSNP rs765442992, ClinGen allele CA3162694.